The following is an entry in ClinVar:

ClinVar aggregate classification (germline): Conflicting classifications of pathogenicity. Review status: criteria provided, conflicting classifications (1 of 4 stars). 2 submissions from 2 submitters: Likely pathogenic (1); Uncertain significance (1). Last evaluated 2026-03-31.

Conditions:
Retinal disorder. Also called: Retinopathy; Retinal disorders; Retinopathies; Retinal Diseases. Identifiers: MedGen C0035309, MONDO:0005283, HP:0000488.

gnomAD v4.1: 15 of 1,608,272 alleles (0.00093%); highest among the groups gnomAD compares: Middle Eastern, 0.017%; no homozygotes.

Submissions (2):

Genetics Laboratory, Great Ormond Street Hospital NHS Foundation Trust, North Thames Genomic Laboratory Hub
Classification: Likely pathogenic for Retinal disorders. Last evaluated: 2026-03-31. Review status: criteria provided, single submitter. Criteria: ACGS Best Practice Guidelines for Variant Classification in Rare Disease 2024 v1.2. Collection method: clinical testing. Allele origin: germline. Affected: yes.
Comment: PM2_moderate, PVS1_strong, PM3_supporting

Labcorp Genetics (formerly Invitae), Labcorp
Classification: Uncertain significance. Last evaluated: 2024-02-11. Review status: criteria provided, single submitter. Criteria: Invitae Variant Classification Sherloc (09022015). Collection method: clinical testing. Allele origin: germline.
Comment: This sequence change creates a premature translational stop signal (p.Arg800*) in the GPR179 gene. While this is not anticipated to result in nonsense mediated decay, it is expected to disrupt the last 1568 amino acid(s) of the GPR179 protein. This variant is not present in population databases (gnomAD no frequency). This variant has not been reported in the literature in individuals affected with GPR179-related conditions. Experimental studies and prediction algorithms are not available or were not evaluated, and the functional significance of this variant is currently unknown. In summary, the available evidence is currently insufficient to determine the role of this variant in disease. Therefore, it has been classified as a Variant of Uncertain Significance.

NM_001004334.4(GPR179):c.2398C>T (p.Arg800Ter)

Gene: GPR179 (G protein-coupled receptor 179; minus strand). Cytogenetic location: 17q12.
Variant type: single nucleotide variant.
Coding change: c.2398C>T on transcript NM_001004334.4 (MANE Select); coding-DNA position 2398, C replaced by T.
Protein change: p.Arg800Ter; replaces arginine 800 with a stop codon.
Molecular consequence: nonsense.
Genome position (GRCh38, 1-based): chr17:38,331,171, G>A on the plus strand (C>T on the coding strand, the complement: GPR179 is on the minus strand). VCF-style: chr17-38331171-G-A. GRCh37 (hg19) VCF-style: chr17-36487054-G-A.
Other names: short protein forms R800*.
Identifiers: ClinVar variation 3609656 (VCV003609656.3).